The following is an entry in ClinVar:

ClinVar aggregate classification (germline): Uncertain significance (1 of 4 stars; one submission).

gnomAD v4.1: 1 of 1,614,224 alleles (0.000062%); highest among the groups gnomAD compares: Non-Finnish European, 0.000085%; no homozygotes.

Submission:

Labcorp Genetics (formerly Invitae), Labcorp
Classification: Uncertain significance. Last evaluated: 2023-02-22. Review status: criteria provided, single submitter. Criteria: Invitae Variant Classification Sherloc (09022015). Collection method: clinical testing. Allele origin: germline.
Comment: Advanced modeling of protein sequence and biophysical properties (such as structural, functional, and spatial information, amino acid conservation, physicochemical variation, residue mobility, and thermodynamic stability) performed at Invitae indicates that this missense variant is not expected to disrupt SRCAP protein function. This variant has not been reported in the literature in individuals affected with SRCAP-related conditions. This variant is not present in population databases (gnomAD no frequency). This sequence change replaces serine, which is neutral and polar, with phenylalanine, which is neutral and non-polar, at codon 3031 of the SRCAP protein (p.Ser3031Phe). In summary, the available evidence is currently insufficient to determine the role of this variant in disease. Therefore, it has been classified as a Variant of Uncertain Significance.

NM_006662.3(SRCAP):c.9092C>T (p.Ser3031Phe)

Gene: SRCAP (Snf2 related CREBBP activator protein; plus strand). Cytogenetic location: 16p11.2.
Variant type: single nucleotide variant.
Coding change: c.9092C>T on transcript NM_006662.3 (MANE Select); coding-DNA position 9092, C replaced by T.
Protein change: p.Ser3031Phe; replaces serine 3031 with phenylalanine.
Molecular consequence: missense variant.
Genome position (GRCh38, 1-based): chr16:30,739,132, C>T. VCF-style: chr16-30739132-C-T. GRCh37 (hg19) VCF-style: chr16-30750453-C-T.
Other names: short protein forms S3031F.
Identifiers: ClinVar variation 2840005 (VCV002840005.3), dbSNP rs772873154, ClinGen allele CA395642871.